The following is an entry in ClinVar:

ClinVar aggregate classification (germline): Uncertain significance (1 of 4 stars; one submission).

Conditions:
Severe combined immunodeficiency due to IKK2 deficiency. Also called: IMMUNODEFICIENCY 15B; Immunodeficiency 15. Identifiers: Orphanet 397787, MedGen C4747743, MONDO:0014267, OMIM 615592.

Submission:

Labcorp Genetics (formerly Invitae), Labcorp
Classification: Uncertain significance for Severe combined immunodeficiency due to IKK2 deficiency. Last evaluated: 2024-02-06. Review status: criteria provided, single submitter. Criteria: Invitae Variant Classification Sherloc (09022015). Collection method: clinical testing. Allele origin: germline.
Comment: This sequence change replaces alanine, which is neutral and non-polar, with glycine, which is neutral and non-polar, at codon 539 of the IKBKB protein (p.Ala539Gly). This variant is not present in population databases (gnomAD no frequency). This variant has not been reported in the literature in individuals affected with IKBKB-related conditions. Advanced modeling of protein sequence and biophysical properties (such as structural, functional, and spatial information, amino acid conservation, physicochemical variation, residue mobility, and thermodynamic stability) performed at Invitae indicates that this missense variant is not expected to disrupt IKBKB protein function with a negative predictive value of 95%. In summary, the available evidence is currently insufficient to determine the role of this variant in disease. Therefore, it has been classified as a Variant of Uncertain Significance.

NM_001556.3(IKBKB):c.1616C>G (p.Ala539Gly)

Gene: IKBKB (inhibitor of nuclear factor kappa B kinase subunit beta; plus strand). Cytogenetic location: 8p11.21.
Variant type: single nucleotide variant.
Coding change: c.1616C>G on transcript NM_001556.3 (MANE Select); coding-DNA position 1616, C replaced by G.
Protein change: p.Ala539Gly; replaces alanine 539 with glycine.
Molecular consequence: missense variant. On other transcripts: non-coding transcript variant (3).
Genome position (GRCh38, 1-based): chr8:42,320,772, C>G. VCF-style: chr8-42320772-C-G. GRCh37 (hg19) VCF-style: chr8-42178290-C-G.
Other names: c.1424C>G, p.Ala475Gly (NM_001190720.3); c.1439C>G, p.Ala480Gly (NM_001242778.2); short protein forms A475G, A480G, A539G.
Identifiers: ClinVar variation 3637081 (VCV003637081.2).